The following is an entry in ClinVar:

ClinVar aggregate classification (germline): Uncertain significance (1 of 4 stars; one submission).

gnomAD v4.1: 4 of 1,523,956 alleles (0.00026%); highest among the groups gnomAD compares: Non-Finnish European, 0.00035%; no homozygotes.

Submission:

Labcorp Genetics (formerly Invitae), Labcorp
Classification: Uncertain significance. Last evaluated: 2025-02-24. Review status: criteria provided, single submitter. Criteria: Invitae Variant Classification Sherloc (09022015). Collection method: clinical testing. Allele origin: germline.
Comment: This sequence change replaces serine, which is neutral and polar, with glycine, which is neutral and non-polar, at codon 772 of the BCL11B protein (p.Ser772Gly). This variant is not present in population databases (gnomAD no frequency). This variant has not been reported in the literature in individuals affected with BCL11B-related conditions. Invitae Evidence Modeling of protein sequence and biophysical properties (such as structural, functional, and spatial information, amino acid conservation, physicochemical variation, residue mobility, and thermodynamic stability) has been performed for this missense variant. However, the output from this modeling did not meet the statistical confidence thresholds required to predict the impact of this variant on BCL11B protein function. In summary, the available evidence is currently insufficient to determine the role of this variant in disease. Therefore, it has been classified as a Variant of Uncertain Significance.

NM_138576.4(BCL11B):c.2314A>G (p.Ser772Gly)

Gene: BCL11B (BCL11 transcription factor B; minus strand). Cytogenetic location: 14q32.2.
Variant type: single nucleotide variant.
Coding change: c.2314A>G on transcript NM_138576.4 (MANE Select); coding-DNA position 2314, A replaced by G.
Protein change: p.Ser772Gly; replaces serine 772 with glycine.
Molecular consequence: missense variant.
Genome position (GRCh38, 1-based): chr14:99,174,522, T>C on the plus strand (A>G on the coding strand, the complement: BCL11B is on the minus strand). VCF-style: chr14-99174522-T-C. GRCh37 (hg19) VCF-style: chr14-99640859-T-C.
Other names: c.2311A>G, p.Ser771Gly (NM_001282237.2); c.2098A>G, p.Ser700Gly (NM_001282238.2); c.2101A>G, p.Ser701Gly (NM_022898.3); short protein forms S700G, S701G, S771G, S772G.
Identifiers: ClinVar variation 4811867 (VCV004811867.1).